The following is an entry in ClinVar:

ClinVar aggregate classification (germline): Uncertain significance (1 of 4 stars; one submission).

Conditions:
Alstrom syndrome (ALMS). Identifiers: Orphanet 64, MedGen C0268425, MONDO:0008763, OMIM 203800.

Submission:

Labcorp Genetics (formerly Invitae), Labcorp
Classification: Uncertain significance for Alstrom syndrome. Last evaluated: 2022-08-16. Review status: criteria provided, single submitter. Criteria: Invitae Variant Classification Sherloc (09022015). Collection method: clinical testing. Allele origin: germline.
Comment: This sequence change affects codon 3698 of the ALMS1 mRNA. It is a 'silent' change, meaning that it does not change the encoded amino acid sequence of the ALMS1 protein. This variant is not present in population databases (gnomAD no frequency). This variant has not been reported in the literature in individuals affected with ALMS1-related conditions. Algorithms developed to predict the effect of sequence changes on RNA splicing suggest that this variant may create or strengthen a splice site. In summary, the available evidence is currently insufficient to determine the role of this variant in disease. Therefore, it has been classified as a Variant of Uncertain Significance.

NM_001378454.1(ALMS1):c.11091G>A (p.Val3697=)

Gene: ALMS1 (ALMS1 centrosome and basal body associated protein; plus strand). Cytogenetic location: 2p13.1.
Variant type: single nucleotide variant.
Coding change: c.11091G>A on transcript NM_001378454.1 (MANE Select); coding-DNA position 11091, G replaced by A.
Protein change: p.Val3697=; no amino-acid change (valine 3697 retained).
Molecular consequence: synonymous variant.
Genome position (GRCh38, 1-based): chr2:73,572,968, G>A. VCF-style: chr2-73572968-G-A. GRCh37 (hg19) VCF-style: chr2-73800095-G-A.
Other names: c.11094G>A, p.Val3698= (NM_015120.4).
Identifiers: ClinVar variation 1988440 (VCV001988440.1), dbSNP rs1674973156, ClinGen allele CA427024619.